The following is an entry in ClinVar:

ClinVar aggregate classification (germline): Uncertain significance (1 of 4 stars; one submission).

Conditions:
Progressive microcephaly-seizures-cortical blindness-developmental delay syndrome. Also called: Seizures, cortical blindness, and microcephaly syndrome. Identifiers: Orphanet 477814, MedGen C5567650, MONDO:0014714, OMIM 616632.
Autosomal dominant nonsyndromic hearing loss 1. Also called: KONIGSMARK SYNDROME; DEAFNESS, AUTOSOMAL DOMINANT 1, WITH OR WITHOUT THROMBOCYTOPENIA. Identifiers: Orphanet 90635, MedGen C1852282, MONDO:0007424, OMIM 124900.

Submission:

Labcorp Genetics (formerly Invitae), Labcorp
Classification: Uncertain significance for Progressive microcephaly-seizures-cortical blindness-developmental delay syndrome; Autosomal dominant nonsyndromic hearing loss 1. Last evaluated: 2022-11-01. Review status: criteria provided, single submitter. Criteria: Invitae Variant Classification Sherloc (09022015). Collection method: clinical testing. Allele origin: germline.
Comment: This sequence change replaces aspartic acid, which is acidic and polar, with tyrosine, which is neutral and polar, at codon 375 of the DIAPH1 protein (p.Asp375Tyr). In summary, the available evidence is currently insufficient to determine the role of this variant in disease. Therefore, it has been classified as a Variant of Uncertain Significance. Algorithms developed to predict the effect of missense changes on protein structure and function are either unavailable or do not agree on the potential impact of this missense change (SIFT: "Deleterious"; PolyPhen-2: "Not Available"; Align-GVGD: "Class C0"). This variant has not been reported in the literature in individuals affected with DIAPH1-related conditions. This variant is not present in population databases (gnomAD no frequency).

NM_005219.5(DIAPH1):c.1123G>T (p.Asp375Tyr)

Gene: DIAPH1 (diaphanous related formin 1; minus strand). Cytogenetic location: 5q31.3.
Variant type: single nucleotide variant.
Coding change: c.1123G>T on transcript NM_005219.5 (MANE Select); coding-DNA position 1123, G replaced by T.
Protein change: p.Asp375Tyr; replaces aspartic acid 375 with tyrosine.
Molecular consequence: missense variant.
Genome position (GRCh38, 1-based): chr5:141,578,265, C>A on the plus strand (G>T on the coding strand, the complement: DIAPH1 is on the minus strand). VCF-style: chr5-141578265-C-A. GRCh37 (hg19) VCF-style: chr5-140957832-C-A.
Other names: c.1096G>T, p.Asp366Tyr (NM_001079812.3); c.1123G>T, p.Asp375Tyr (NM_001314007.2); short protein forms D375Y, D366Y.
Identifiers: ClinVar variation 2941008 (VCV002941008.3), dbSNP rs2513757671, ClinGen allele CA361531156.